The following is an entry in ClinVar:

ClinVar aggregate classification (germline): Uncertain significance (1 of 4 stars; one submission).

gnomAD v4.1: 57 of 1,614,110 alleles (0.0035%); highest among the groups gnomAD compares: Non-Finnish European, 0.0042%; no homozygotes.

Submission:

GeneDx
Classification: Uncertain significance. Last evaluated: 2024-05-01. Review status: criteria provided, single submitter. Criteria: GeneDx Variant Classification Process June 2021. Collection method: clinical testing. Allele origin: germline. Affected: yes.
Comment: Not observed at significant frequency in large population cohorts (gnomAD); In silico analysis supports that this missense variant has a deleterious effect on protein structure/function; Has not been previously published as pathogenic or benign to our knowledge

NM_133443.4(GPT2):c.500T>A (p.Ile167Asn)

Gene: GPT2 (glutamic--pyruvic transaminase 2; plus strand). Cytogenetic location: 16q11.2.
Variant type: single nucleotide variant.
Coding change: c.500T>A on transcript NM_133443.4 (MANE Select); coding-DNA position 500, T replaced by A.
Protein change: p.Ile167Asn; replaces isoleucine 167 with asparagine.
Molecular consequence: missense variant.
Genome position (GRCh38, 1-based): chr16:46,906,899, T>A. VCF-style: chr16-46906899-T-A. GRCh37 (hg19) VCF-style: chr16-46940811-T-A.
Other names: c.200T>A, p.Ile67Asn (NM_001142466.3); short protein forms I167N, I67N.
Identifiers: ClinVar variation 3373367 (VCV003373367.1).